The following is an entry in ClinVar:

ClinVar aggregate classification (germline): Uncertain significance. Review status: criteria provided, multiple submitters, no conflicts (2 of 4 stars). 7 submissions from 7 submitters: Uncertain significance (5). 2 of the submissions do not count toward it. Last evaluated 2024-06-19.

Conditions:
Osteogenesis imperfecta (OI). Identifiers: Orphanet 666, MedGen C0029434, MeSH D010013, MONDO:0019019.
Bruck syndrome 2 (BRKS2). Also called: OSTEOGENESIS IMPERFECTA WITH CONGENITAL JOINT CONTRACTURES. Identifiers: Orphanet 2771, MedGen C1836602, MONDO:0012217, OMIM 609220.
Inborn genetic diseases. Identifiers: MedGen C0950123, MeSH D030342.

gnomAD v4.1: 20 of 1,608,972 alleles (0.0012%); no homozygotes.

Submissions (7):

Ambry Genetics
Classification: Uncertain significance for Inborn genetic diseases. Last evaluated: 2024-06-19. Review status: criteria provided, single submitter. Criteria: Ambry Variant Classification Scheme 2023. Collection method: clinical testing. Allele origin: germline.

Labcorp Genetics (formerly Invitae), Labcorp
Classification: Uncertain significance. Last evaluated: 2024-01-24. Review status: criteria provided, single submitter. Criteria: Invitae Variant Classification Sherloc (09022015). Collection method: clinical testing. Allele origin: germline.
Comment: This sequence change replaces aspartic acid, which is acidic and polar, with glutamic acid, which is acidic and polar, at codon 102 of the PLOD2 protein (p.Asp102Glu). This variant is present in population databases (rs764056697, gnomAD 0.006%). This variant has not been reported in the literature in individuals affected with PLOD2-related conditions. ClinVar contains an entry for this variant (Variation ID: 343652). An algorithm developed to predict the effect of missense changes on protein structure and function (PolyPhen-2) suggests that this variant¬†is likely to be tolerated. In summary, the available evidence is currently insufficient to determine the role of this variant in disease. Therefore, it has been classified as a Variant of Uncertain Significance.

ARUP Laboratories, Molecular Genetics and Genomics, ARUP Laboratories
Classification: Uncertain significance for Bruck syndrome 2. Last evaluated: 2022-03-11. Review status: criteria provided, single submitter. Criteria: ARUP Molecular Germline Variant Investigation Process 2021. Collection method: clinical testing. Allele origin: germline.
Comment: The PLOD2 c.306T>A; p.Asp102Glu variant (rs764056697), to our knowledge, is not reported in the medical literature but is reported in ClinVar (Variation ID: 343652). This variant is only observed on one allele in the Genome Aggregation Database, indicating it is not a common polymorphism. The aspartic acid at codon 102 is weakly conserved, and computational analyses predict that this variant is neutral (REVEL: 0.03). Due to limited information, the clinical significance of the p.Asp102Glu variant is uncertain at this time.

Genome Diagnostics Laboratory, The Hospital for Sick Children
Classification: Uncertain significance for Osteogenesis imperfecta. Last evaluated: 2019-05-01. Review status: criteria provided, single submitter. Criteria: ACMG Guidelines, 2015. Collection method: clinical testing. Allele origin: germline.

Illumina Laboratory Services, Illumina
Classification: Uncertain significance for Bruck syndrome 2. Last evaluated: 2018-01-12. Review status: criteria provided, single submitter. Criteria: ICSL Variant Classification Criteria 13 December 2019. Collection method: clinical testing. Allele origin: germline.

Clinical Genetics DNA and cytogenetics Diagnostics Lab, Erasmus MC, Erasmus Medical Center
Classification: Likely benign. Review status: no assertion criteria provided. Collection method: clinical testing. Allele origin: germline. Affected: yes. Study: VKGL Data-share Consensus. Not counted in ClinVar's aggregate classification.

Laboratory of Diagnostic Genome Analysis, Leiden University Medical Center (LUMC)
Classification: Likely benign. Review status: no assertion criteria provided. Collection method: clinical testing. Allele origin: germline. Affected: yes. Study: VKGL Data-share Consensus. Not counted in ClinVar's aggregate classification.

NM_182943.3(PLOD2):c.306T>A (p.Asp102Glu)

Gene: PLOD2 (procollagen-lysine,2-oxoglutarate 5-dioxygenase 2; minus strand). Cytogenetic location: 3q24.
Variant type: single nucleotide variant.
Coding change: c.306T>A on transcript NM_182943.3 (MANE Select); coding-DNA position 306, T replaced by A.
Protein change: p.Asp102Glu; replaces aspartic acid 102 with glutamic acid.
Molecular consequence: missense variant.
Genome position (GRCh38, 1-based): chr3:146,121,144, A>T on the plus strand (T>A on the coding strand, the complement: PLOD2 is on the minus strand). VCF-style: chr3-146121144-A-T. GRCh37 (hg19) VCF-style: chr3-145838931-A-T.
Other names: c.306T>A, p.Asp102Glu (NM_000935.3); short protein forms D102E.
Identifiers: ClinVar variation 343652 (VCV000343652.15), dbSNP rs764056697, ClinGen allele CA2655292.